The following is an entry in ClinVar:

NM_144573.4(NEXN):c.1883A>G (p.Tyr628Cys)

Gene: NEXN (nexilin F-actin binding protein; plus strand). Cytogenetic location: 1p31.1.
Variant type: single nucleotide variant.
Coding change: c.1883A>G on transcript NM_144573.4 (MANE Select); coding-DNA position 1883, A replaced by G.
Protein change: p.Tyr628Cys; replaces tyrosine 628 with cysteine.
Molecular consequence: missense variant.
Genome position (GRCh38, 1-based): chr1:77,942,684, A>G. VCF-style: chr1-77942684-A-G. GRCh37 (hg19) VCF-style: chr1-78408369-A-G.
Other names: c.1691A>G, p.Tyr564Cys (NM_001172309.2); short protein forms Y564C, Y628C.
Identifiers: ClinVar variation 4842061 (VCV004842061.1).

ClinVar aggregate classification (germline): Uncertain significance (1 of 4 stars; one submission).

Conditions:
Cardiovascular phenotype. Identifiers: MedGen CN230736.

gnomAD v4.1: 5 of 1,613,798 alleles (0.00031%); highest among the groups gnomAD compares: Non-Finnish European, 0.00042%; no homozygotes.

Submission:

Ambry Genetics
Classification: Uncertain significance for Cardiovascular phenotype. Last evaluated: 2025-12-21. Review status: criteria provided, single submitter. Criteria: Ambry Variant Classification Scheme 2023. Collection method: clinical testing. Allele origin: germline.
Comment: The p.Y628C variant (also known as c.1883A>G), located in coding exon 12 of the NEXN gene, results from an A to G substitution at nucleotide position 1883. The tyrosine at codon 628 is replaced by cysteine, an amino acid with highly dissimilar properties. This amino acid position is conserved. In addition, this alteration is predicted to be deleterious by in silico analysis. Based on the available evidence, the clinical significance of this variant remains unclear.